The following is an entry in ClinVar:

NM_000256.3(MYBPC3):c.1290C>T (p.Asp430=)

Gene: MYBPC3 (myosin binding protein C3; minus strand). Cytogenetic location: 11p11.2.
Variant type: single nucleotide variant.
Coding change: c.1290C>T on transcript NM_000256.3 (MANE Select); coding-DNA position 1290, C replaced by T.
Protein change: p.Asp430=; no amino-acid change (aspartic acid 430 retained).
Molecular consequence: synonymous variant.
Genome position (GRCh38, 1-based): chr11:47,343,082, G>A on the plus strand (C>T on the coding strand, the complement: MYBPC3 is on the minus strand). VCF-style: chr11-47343082-G-A. GRCh37 (hg19) VCF-style: chr11-47364633-G-A.
Identifiers: ClinVar variation 42519 (VCV000042519.24), dbSNP rs200664621, ClinGen allele CA010037.
Genomic context (GRCh38, chr11:47,343,082, plus strand): 5'-TTTCACAAAGAGCTCCGTGCTACACTTCTCGCCACCCACCACGCACTGGTAGGCTGCGTC[G>A]TCCGCCAATGAGCACTGGCTGATGGTCAGGGTACGCTTGGCACCGATGGACTCAAAGATG-3'
Protein context (NP_000247.2, residues 420-440): TLTISQCSLA[Asp430=]DAAYQCVVGG

ClinVar aggregate classification (germline): Likely benign. Review status: criteria provided, multiple submitters, no conflicts (2 of 4 stars). 8 submissions from 8 submitters: Likely benign (7). 1 of the submissions does not count toward it. Last evaluated 2025-12-22.

Conditions:
Cardiovascular phenotype. Identifiers: MedGen CN230736.
MYBPC3-related disorder. Also called: MYBPC3-related disorders; MYBPC3-related condition; MYBPC3-related disease.
Cardiomyopathy (CMYO). Also called: Cardiomyopathies. Identifiers: Orphanet 167848, MedGen C0878544, MONDO:0004994, HP:0001638. Inheritance: Various modes of inheritance.
Hypertrophic cardiomyopathy. Also called: HYPERTROPHIC MYOCARDIOPATHY. Identifiers: Orphanet 217569, MedGen C0007194, MeSH D002312, MONDO:0005045, HP:0001639.

Allele frequency attached by ClinVar (database versions not stated): gnomAD exomes 0.00001 and 0.00002; ExAC 0.00002; gnomAD 0.00002 and 0.00003; TOPMed 0.00002; ESP Exome Variant Server 0.00008.
gnomAD v4.1: 22 of 1,611,696 alleles (0.0014%); highest among the groups gnomAD compares: African/African-American, 0.004%; no homozygotes.

Submissions (8):

Labcorp Genetics (formerly Invitae), Labcorp
Classification: Likely benign for Hypertrophic cardiomyopathy. Last evaluated: 2025-12-22. Review status: criteria provided, single submitter. Criteria: Invitae Variant Classification Sherloc (09022015). Collection method: clinical testing. Allele origin: germline.

All of Us Research Program, National Institutes of Health
Classification: Likely benign for Hypertrophic cardiomyopathy. Last evaluated: 2023-12-07. Review status: criteria provided, single submitter. Criteria: ACMG Guidelines, 2015. Collection method: clinical testing. Allele origin: germline. Inheritance: Autosomal dominant inheritance. Observed: 4 variant alleles, 4 heterozygotes.
Comment: This study involves interpretation of variants in research participants for the purpose of population health screening. Participant phenotype was not available at the time of variant classification. Additional details can be found in publication PMID: 35346344, PMCID: PMC8962531

Blueprint Genetics
Classification: Likely benign. Last evaluated: 2023-02-27. Review status: criteria provided, single submitter. Criteria: ACMG Guidelines, 2015. Collection method: clinical testing. Allele origin: germline.

CHEO Genetics Diagnostic Laboratory, Children's Hospital of Eastern Ontario
Classification: Likely benign for Cardiomyopathy. Last evaluated: 2022-02-24. Review status: criteria provided, single submitter. Criteria: ACMG Guidelines, 2015. Collection method: clinical testing. Allele origin: germline.

Ambry Genetics
Classification: Likely benign for Cardiovascular phenotype. Last evaluated: 2020-03-18. Review status: criteria provided, single submitter. Criteria: Ambry Variant Classification Scheme 2023. Collection method: clinical testing. Allele origin: germline.

Color Diagnostics, LLC DBA Color Health
Classification: Likely benign for Cardiomyopathy. Last evaluated: 2019-06-01. Review status: criteria provided, single submitter. Criteria: ACMG Guidelines, 2015. Collection method: clinical testing. Allele origin: germline.

Laboratory for Molecular Medicine, Mass General Brigham Personalized Medicine
Classification: Likely benign. Last evaluated: 2009-08-10. Review status: criteria provided, single submitter. Criteria: LMM Criteria. Collection method: clinical testing. Allele origin: germline. Observed: 3 variant alleles.

PreventionGenetics, part of Exact Sciences
Classification: Likely benign for MYBPC3-related condition. Last evaluated: 2020-09-03. Review status: no assertion criteria provided. Collection method: clinical testing. Allele origin: germline. Not counted in ClinVar's aggregate classification.
Comment: This variant is classified as likely benign based on ACMG/AMP sequence variant interpretation guidelines (Richards et al. 2015 PMID: 25741868, with internal and published modifications).